The following is an entry in ClinVar:

ClinVar aggregate classification (germline): Uncertain significance (1 of 4 stars; one submission).

Conditions:
EDN3-related disorder. Also called: EDN3-related condition.

gnomAD v4.1: 1 of 1,614,198 alleles (0.000062%); highest among the groups gnomAD compares: Non-Finnish European, 0.000085%; no homozygotes.

Submission:

PreventionGenetics, part of Exact Sciences
Classification: Uncertain significance for EDN3-related condition. Last evaluated: 2025-11-10. Review status: criteria provided, single submitter. Criteria: ACMG Guidelines, 2015. Collection method: clinical testing. Allele origin: germline.
Comment: The EDN3 c.289T>C variant is predicted to result in the amino acid substitution p.Cys97Arg. To our knowledge, this variant has not been reported in the literature. This variant is reported in 0.00088% of alleles in individuals of European (Non-Finnish) descent in gnomAD. At this time, the clinical significance of this variant is uncertain due to the absence of conclusive functional and genetic evidence.

NM_207034.3(EDN3):c.289T>C (p.Cys97Arg)

Gene: EDN3 (endothelin 3; plus strand). Cytogenetic location: 20q13.32.
Variant type: single nucleotide variant.
Coding change: c.289T>C on transcript NM_207034.3 (MANE Select); coding-DNA position 289, T replaced by C.
Protein change: p.Cys97Arg; replaces cysteine 97 with arginine.
Molecular consequence: missense variant.
Genome position (GRCh38, 1-based): chr20:59,301,646, T>C. VCF-style: chr20-59301646-T-C. GRCh37 (hg19) VCF-style: chr20-57876701-T-C.
Other names: c.289T>C, p.Cys97Arg (NM_001302455.2, NM_001302456.2, NM_001424361.1 and 4 more transcripts); short protein forms C97R.
Identifiers: ClinVar variation 5001593 (VCV005001593.1).